The following is an entry in ClinVar:

ClinVar aggregate classification (germline): Uncertain significance. Review status: criteria provided, single submitter (1 of 4 stars). 2 submissions from 2 submitters: Uncertain significance (1). 1 of the submissions does not count toward it. Last evaluated 2024-02-23.

Conditions:
Myopathy, myofibrillar, 12, infantile-onset, with cardiomyopathy. Identifiers: MedGen C5561937, MONDO:0859168, OMIM 619424.
Hypertrophic cardiomyopathy 10. Also called: CARDIOMYOPATHY, HYPERTROPHIC, MID-LEFT VENTRICULAR CHAMBER TYPE, 2; MYL2-Related Familial Hypertrophic Cardiomyopathy. Identifiers: MedGen C1834460, MONDO:0012112, OMIM 608758.

Allele frequency attached by ClinVar (database versions not stated): gnomAD exomes below 0.00001; TOPMed below 0.00001.

Submissions (2):

Labcorp Genetics (formerly Invitae), Labcorp
Classification: Uncertain significance for Hypertrophic cardiomyopathy 10. Last evaluated: 2024-02-23. Review status: criteria provided, single submitter. Criteria: Invitae Variant Classification Sherloc (09022015). Collection method: clinical testing. Allele origin: germline.
Comment: This sequence change creates a premature translational stop signal (p.Asp145Thrfs*2) in the MYL2 gene. While this is not anticipated to result in nonsense mediated decay, it is expected to disrupt the last 22 amino acid(s) of the MYL2 protein. This variant is not present in population databases (gnomAD no frequency). This premature translational stop signal has been observed in individual(s) with autosomal recessive congenital myopathy and/or hypertrophic cardiomyopathy (PMID: 23365102, 30847666). ClinVar contains an entry for this variant (Variation ID: 1043372). Experimental studies and prediction algorithms are not available or were not evaluated, and the functional significance of this variant is currently unknown. In summary, the available evidence is currently insufficient to determine the role of this variant in disease. Therefore, it has been classified as a Variant of Uncertain Significance.

OMIM
Classification: Pathogenic for MYOPATHY, MYOFIBRILLAR, 12, INFANTILE-ONSET, WITH CARDIOMYOPATHY. Last evaluated: 2021-08-05. Review status: no assertion criteria provided. Collection method: literature only. Allele origin: germline. Not counted in ClinVar's aggregate classification.

Literature cited by the submitters: PubMed 23365102 (cited by Labcorp Genetics (formerly Invitae), Labcorp and OMIM); PubMed 30847666 (cited by Labcorp Genetics (formerly Invitae), Labcorp).

NM_000432.4(MYL2):c.432del (p.Asp145fs)

Gene: MYL2 (myosin light chain 2; minus strand). Cytogenetic location: 12q24.11.
Variant type: Deletion.
Coding change: c.432del on transcript NM_000432.4 (MANE Select); coding-DNA position 432, one base deleted (T; older notation c.432delT).
Protein change: p.Asp145fs; shifts the reading frame from aspartic acid 145.
Molecular consequence: frameshift variant.
Genome position (GRCh38, 1-based): chr12:110,911,146, A deleted on the plus strand (T on the coding strand, the reverse complement: MYL2 is on the minus strand). VCF-style (leftmost placement, unchanged base first): chr12-110911145-CA-C. GRCh37 (hg19) VCF-style: chr12-111348949-CA-C.
Other names: c.432delT (NM_000432.4); short protein forms D145fs.
Identifiers: ClinVar variation 1043372 (VCV001043372.10), dbSNP rs2071649414, ClinGen allele CA2063066959.